The following is an entry in ClinVar:

NM_182493.3(MYLK3):c.1687A>G (p.Ile563Val)

Gene: MYLK3 (myosin light chain kinase 3; minus strand). Cytogenetic location: 16q11.2.
Variant type: single nucleotide variant.
Coding change: c.1687A>G on transcript NM_182493.3 (MANE Select); coding-DNA position 1687, A replaced by G.
Protein change: p.Ile563Val; replaces isoleucine 563 with valine.
Molecular consequence: missense variant.
Genome position (GRCh38, 1-based): chr16:46,729,109, T>C on the plus strand (A>G on the coding strand, the complement: MYLK3 is on the minus strand). VCF-style: chr16-46729109-T-C. GRCh37 (hg19) VCF-style: chr16-46763021-T-C.
Other names: c.664A>G, p.Ile222Val (NM_001308301.1); short protein forms I222V, I563V.
Identifiers: ClinVar variation 2257329 (VCV002257329.3), dbSNP rs1244164543, ClinGen allele CA395790370.

ClinVar aggregate classification (germline): Uncertain significance. Review status: criteria provided, multiple submitters, no conflicts (2 of 4 stars). 2 submissions from 2 submitters: Uncertain significance (2). Last evaluated 2025-08-11.

gnomAD v4.1: 3 of 1,614,106 alleles (0.00019%); highest among the groups gnomAD compares: Non-Finnish European, 0.00025%; no homozygotes.

Submissions (2):

Labcorp Genetics (formerly Invitae), Labcorp
Classification: Uncertain significance. Last evaluated: 2025-08-11. Review status: criteria provided, single submitter. Criteria: Invitae Variant Classification Sherloc (09022015). Collection method: clinical testing. Allele origin: germline.
Comment: This sequence change replaces isoleucine, which is neutral and non-polar, with valine, which is neutral and non-polar, at codon 563 of the MYLK3 protein (p.Ile563Val). This variant is present in population databases (no rsID available, gnomAD 0.002%). This variant has not been reported in the literature in individuals affected with MYLK3-related conditions. ClinVar contains an entry for this variant (Variation ID: 2257329). An algorithm developed to predict the effect of missense changes on protein structure and function (PolyPhen-2) suggests that this variant is likely to be disruptive. In summary, the available evidence is currently insufficient to determine the role of this variant in disease. Therefore, it has been classified as a Variant of Uncertain Significance.

Ambry Genetics
Classification: Uncertain significance. Last evaluated: 2021-10-26. Review status: criteria provided, single submitter. Criteria: Ambry Variant Classification Scheme 2023. Collection method: clinical testing. Allele origin: germline.